The following is an entry in ClinVar:

ClinVar aggregate classification (germline): Likely pathogenic (1 of 4 stars; one submission).

Submission:

Laboratorio de Genetica e Diagnostico Molecular, Hospital Israelita Albert Einstein
Classification: Likely pathogenic. Last evaluated: 2019-10-18. Review status: criteria provided, single submitter. Criteria: ACMG Guidelines, 2015. Collection method: clinical testing. Allele origin: germline. Affected: yes.
Comment: ACMG classification criteria: PVS1, PM2

NM_001371928.1(AHDC1):c.1705_1708dup (p.Glu570fs)

Gene: AHDC1 (AT-hook DNA binding motif containing 1; minus strand). Cytogenetic location: 1p36.11.
Variant type: Duplication.
Coding change: c.1705_1708dup on transcript NM_001371928.1 (MANE Select); coding-DNA positions 1705 to 1708, 4 bases duplicated (GCCG; older notation c.1705_1708dupGCCG).
Protein change: p.Glu570fs; shifts the reading frame from glutamic acid 570.
Molecular consequence: frameshift variant.
Genome position (GRCh38, 1-based): chr1:27,550,408-27,550,411, CGGC duplicated on the plus strand (GCCG on the coding strand, the reverse complement: AHDC1 is on the minus strand); duplicating any 4 consecutive bases within chr1:27,550,408-27,550,413 gives the same sequence; the c. name uses the placement nearest the transcript's 3' end. VCF-style (leftmost placement, unchanged base first): chr1-27550407-T-TCGGC. GRCh37 (hg19) VCF-style: chr1-27876918-T-TCGGC.
Other names: c.1708_1709insGCCG (NM_001029882.3); c.1705_1708dup, p.Glu570fs (NM_001029882.3); short protein forms E570fs.
Identifiers: ClinVar variation 1690711 (VCV001690711.2), dbSNP rs2148284522, ClinGen allele CA2573132238.